The following is an entry in ClinVar:

NM_001365088.1(SLC12A6):c.1148C>G (p.Ser383Ter)

Gene: SLC12A6 (solute carrier family 12 member 6; minus strand). Cytogenetic location: 15q14.
Variant type: single nucleotide variant.
Coding change: c.1148C>G on transcript NM_001365088.1 (MANE Select); coding-DNA position 1148, C replaced by G.
Protein change: p.Ser383Ter; replaces serine 383 with a stop codon.
Molecular consequence: nonsense.
Genome position (GRCh38, 1-based): chr15:34,252,355, G>C on the plus strand (C>G on the coding strand, the complement: SLC12A6 is on the minus strand). VCF-style: chr15-34252355-G-C. GRCh37 (hg19) VCF-style: chr15-34544556-G-C.
Other names: c.971C>G, p.Ser324Ter (NM_001042494.2, NM_001042495.2); c.1121C>G, p.Ser374Ter (NM_001042496.2); c.1103C>G, p.Ser368Ter (NM_001042497.2); c.995C>G, p.Ser332Ter (NM_005135.2); c.1148C>G, p.Ser383Ter (NM_133647.2); short protein forms S324*, S332*, S368*, S374*, S383*.
Identifiers: ClinVar variation 5015828 (VCV005015828.1).

ClinVar aggregate classification (germline): Pathogenic (1 of 4 stars; one submission).

Conditions:
Agenesis of the corpus callosum with peripheral neuropathy (ACCPN). Also called: CHARLEVOIX DISEASE; POLYNEUROPATHY, SENSORIMOTOR, WITH OR WITHOUT AGENESIS OF THE CORPUS CALLOSUM; HMSN/ACC; Hereditary Motor and Sensory Neuropathy with Agenesis of the Corpus Callosum. Identifiers: Orphanet 1496, MedGen C0795950, MONDO:0000902, OMIM 218000. Disease mechanism: loss of function.

Submission:

Myriad Genetics, Inc.
Classification: Pathogenic for Agenesis of the corpus callosum with peripheral neuropathy. Last evaluated: 2026-04-24. Review status: criteria provided, single submitter. Criteria: Myriad Autosomal Dominant, Autosomal Recessive and X-Linked Classification Criteria (2023). Collection method: clinical testing. Allele origin: unknown.
Comment: NM_133647.1(SLC12A6):c.1148C>G(S383*) is expected to be pathogenic in the context of Andermann syndrome. This variant is predicted to lead to an abnormal or absent protein product due to the creation of a premature termination codon in SLC12A6, a gene where loss-of-function variants are known to be pathogenic. Please note: this variant was assessed in the context of healthy population screening.